The following is an entry in ClinVar:

NC_000013.11:g.(?_48303701)_(48412896_?)del

Genes: LPAR6 (lysophosphatidic acid receptor 6; minus strand), RB1 (RB transcriptional corepressor 1; plus strand). Cytogenetic location: 13q14.2.
Variant type: Deletion.
Identifiers: ClinVar variation 832525 (VCV000832525.1).

ClinVar aggregate classification (germline): Pathogenic (1 of 4 stars; one submission).

Conditions:
Retinoblastoma (RB1). Also called: RETINOBLASTOMA, SOMATIC. Identifiers: Orphanet 790, MedGen C0035335, MeSH D012175, MONDO:0008380, OMIM 180200, HP:0009919. Disease mechanism: loss of function. Inheritance: Both sporadic and heritable forms are tested..

Submission:

Labcorp Genetics (formerly Invitae), Labcorp
Classification: Pathogenic for Retinoblastoma. Last evaluated: 2019-07-25. Review status: criteria provided, single submitter. Criteria: Invitae Variant Classification Sherloc (09022015). Collection method: clinical testing. Allele origin: germline.
Comment: This variant is a gross deletion of the genomic region encompassing exons 1-17 of the RB1 gene, which includes the initiator codon. The 5' end of this event is unknown as it extends beyond the assayed region for this gene and therefore may encompass additional genes. The 3' boundary is likely confined to intron 17 of the RB1 gene. This is expected to result in an absent or disrupted protein product. This variant has been observed in individuals affected with retinoblastoma (PMID: 23301675, 12541220, Invitae). Loss-of-function variants in RB1 are known to be pathogenic (PMID: 17096365). For these reasons, this variant has been classified as Pathogenic.

Literature cited by the submitters: PubMed 23301675; PubMed 12541220.